The following is an entry in ClinVar:

NC_000007.14:g.129774964C>A

Genes: MIR183 (microRNA 183; minus strand), MIR96 (microRNA 96; minus strand). Cytogenetic location: 7q32.2.
Variant type: single nucleotide variant.
Molecular consequence: non-coding transcript variant (on NR_029615.1).
Genome position: GRCh38 VCF-style: chr7-129774964-C-A. GRCh37 (hg19) VCF-style: chr7-129414804-C-A.
Identifiers: ClinVar variation 163973 (VCV000163973.6), dbSNP rs72631833, ClinGen allele CA176726.

ClinVar aggregate classification (germline): Likely benign. Review status: criteria provided, multiple submitters, no conflicts (2 of 4 stars). 2 submissions from 2 submitters: Likely benign (2). Last evaluated 2019-01-13.

Allele frequency attached by ClinVar (database versions not stated): gnomAD exomes 0.00071 and 0.00147; ExAC 0.00221; ESP Exome Variant Server 0.00505; gnomAD 0.00517 and 0.00548; TOPMed 0.00583; 1000 Genomes Project 30x 0.00640; 1000 Genomes Project 0.00679.

Submissions (2):

GeneDx
Classification: Likely benign. Last evaluated: 2019-01-13. Review status: criteria provided, single submitter. Criteria: GeneDx Variant Classification Process June 2021. Collection method: clinical testing. Allele origin: germline. Affected: yes.

Laboratory for Molecular Medicine, Mass General Brigham Personalized Medicine
Classification: Likely benign. Last evaluated: 2012-12-20. Review status: criteria provided, single submitter. Criteria: LMM Criteria. Collection method: clinical testing. Allele origin: germline. Observed: 4 variant alleles.
Comment: 51G>T in miR183: This variant has been identified in 0.5% individuals from the 1 000Genomes project (10/2000; rs72631833). It is also located in the loop region of the miRNA and is therefore unlikely to affect target binding specificity that is determined by the seed region. In summary, this variant is likely benign.